The following is an entry in ClinVar:

ClinVar aggregate classification (germline): Pathogenic/Likely pathogenic. Review status: criteria provided, multiple submitters, no conflicts (2 of 4 stars). 2 submissions from 2 submitters: Pathogenic (1); Likely pathogenic (1). Last evaluated 2025-09-20.

Conditions:
Familial adenomatous polyposis 1 (FAP1). Also called: FAMILIAL ADENOMATOUS POLYPOSIS 1, ATTENUATED; POLYPOSIS, ADENOMATOUS INTESTINAL. Identifiers: MedGen C2713442, MONDO:0021056, OMIM 175100. Disease mechanism: loss of function.
Hereditary cancer-predisposing syndrome. Also called: Hereditary neoplastic syndrome; Tumor predisposition; Hereditary Cancer Syndrome; Neoplastic Syndromes, Hereditary. Identifiers: Orphanet 140162, MedGen C0027672, MeSH D009386, MONDO:0015356.

Submissions (2):

Ambry Genetics
Classification: Likely pathogenic for Hereditary cancer-predisposing syndrome. Last evaluated: 2025-09-20. Review status: criteria provided, single submitter. Criteria: Ambry Variant Classification Scheme 2023. Collection method: clinical testing. Allele origin: germline.
Comment: The c.2020_2030del11 variant, located in coding exon 15 of the APC gene, results from a deletion of 11 nucleotides at nucleotide positions 2020 to 2030, causing a translational frameshift with a predicted alternate stop codon (p.L674Qfs*2). This alteration occurs at the 3' terminus of the gene, is not expected to trigger nonsense-mediated mRNA decay, and impacts the last 76% of the protein. However, premature stop codons are typically deleterious in nature and a significant portion of the protein is affected (Ambry internal data). This variant was reported in individual(s) with features consistent with APC-related familial adenomatous polyposis (Ambry internal data). This variant is considered to be rare based on population cohorts in the Genome Aggregation Database (gnomAD). Based on the majority of available evidence to date, this variant is likely to be pathogenic.

Myriad Genetics, Inc.
Classification: Pathogenic for Familial adenomatous polyposis 1. Last evaluated: 2023-05-03. Review status: criteria provided, single submitter. Criteria: Myriad Autosomal Dominant, Autosomal Recessive and X-Linked Classification Criteria (2023). Collection method: clinical testing. Allele origin: unknown.
Comment: This variant is considered pathogenic. This variant creates a frameshift predicted to result in premature protein truncation.

NM_000038.6(APC):c.2020_2030del (p.Leu674fs)

Gene: APC (APC regulator of Wnt signaling pathway; plus strand). Cytogenetic location: 5q22.2.
Variant type: Deletion.
Coding change: c.2020_2030del on transcript NM_000038.6 (MANE Select); coding-DNA positions 2020 to 2030, 11 bases deleted (TTGACAATAGT).
Protein change: p.Leu674fs; shifts the reading frame from leucine 674.
Molecular consequence: frameshift variant. On other transcripts: non-coding transcript variant (2).
Genome position (GRCh38, 1-based): chr5:112,837,614-112,837,624, TTGACAATAGT deleted; deleting any 11 consecutive bases within chr5:112,837,609-112,837,624 gives the same sequence; the c. name uses the placement nearest the transcript's 3' end. VCF-style (leftmost placement, unchanged base first): chr5-112837608-CATAGTTTGACA-C. GRCh37 (hg19) VCF-style: chr5-112173305-CATAGTTTGACA-C.
Other names: c.2020_2030del11 (NM_000038.5); c.2020_2030del, p.Leu674fs (NM_001127510.3, NM_001354895.2, NM_001407450.1); c.1966_1976del, p.Leu656fs (NM_001127511.3); c.2074_2084del, p.Leu692fs (NM_001354896.2, NM_001407447.1, NM_001407448.1 and 1 more transcripts); c.2050_2060del, p.Leu684fs (NM_001354897.2); c.1945_1955del, p.Leu649fs (NM_001354898.2); c.1936_1946del, p.Leu646fs (NM_001354899.2); c.1897_1907del, p.Leu633fs (NM_001354900.2); and 12 more; short protein forms L290fs, L391fs, L514fs, L545fs, L548fs, L573fs, L583fs, L591fs.
Identifiers: ClinVar variation 2583932 (VCV002583932.2), dbSNP rs2533391302, ClinGen allele CA2582341418.